The following is an entry in ClinVar:

NM_000159.4(GCDH):c.275T>G (p.Phe92Cys)

Gene: GCDH (glutaryl-CoA dehydrogenase; plus strand). Cytogenetic location: 19p13.13.
Variant type: single nucleotide variant.
Coding change: c.275T>G on transcript NM_000159.4 (MANE Select); coding-DNA position 275, T replaced by G.
Protein change: p.Phe92Cys; replaces phenylalanine 92 with cysteine.
Molecular consequence: missense variant. On other transcripts: non-coding transcript variant (1).
Genome position (GRCh38, 1-based): chr19:12,892,119, T>G. VCF-style: chr19-12892119-T-G. GRCh37 (hg19) VCF-style: chr19-13002933-T-G.
Other names: c.275T>G, p.Phe92Cys (NM_013976.5); short protein forms F92C.
Identifiers: ClinVar variation 1459696 (VCV001459696.8), dbSNP rs2145940591, ClinGen allele CA404315727.

ClinVar aggregate classification (germline): Pathogenic (1 of 4 stars; one submission).

Conditions:
Glutaric aciduria, type 1. Also called: Glutaryl-CoA dehydrogenase deficiency; Glutaric acidemia type I; Glutaricacidemia Type 1; Glutaric Acidemia Type 1; GA I; Glutaricaciduria, type I. Identifiers: Orphanet 25, MedGen C0268595, MONDO:0009281, OMIM 231670.

Allele frequency attached by ClinVar (database versions not stated): gnomAD exomes below 0.00001.
gnomAD v4.1: 1 of 1,614,164 alleles (0.000062%); highest among the groups gnomAD compares: Non-Finnish European, 0.000085%; no homozygotes.

Submission:

Labcorp Genetics (formerly Invitae), Labcorp
Classification: Pathogenic for Glutaric aciduria, type 1. Last evaluated: 2021-08-09. Review status: criteria provided, single submitter. Criteria: Invitae Variant Classification Sherloc (09022015). Collection method: clinical testing. Allele origin: germline.
Comment: This sequence change replaces phenylalanine with cysteine at codon 92 of the GCDH protein (p.Phe92Cys). The phenylalanine residue is highly conserved and there is a large physicochemical difference between phenylalanine and cysteine. For these reasons, this variant has been classified as Pathogenic. Advanced modeling of protein sequence and biophysical properties (such as structural, functional, and spatial information, amino acid conservation, physicochemical variation, residue mobility, and thermodynamic stability) performed at Invitae indicates that this missense variant is expected to disrupt GCDH protein function. This variant has been observed in individual(s) with clinical features of glutaric aciduria type I (Invitae). In at least one individual the data is consistent with the variant being in trans (on the opposite chromosome) from a pathogenic variant. This variant is not present in population databases (ExAC no frequency).